The following is an entry in ClinVar:

NM_001370259.2(MEN1):c.1505A>G (p.Lys502Arg)

Gene: MEN1 (menin 1; minus strand). Cytogenetic location: 11q13.1.
Variant type: single nucleotide variant.
Coding change: c.1505A>G on transcript NM_001370259.2 (MANE Select); coding-DNA position 1505, A replaced by G.
Protein change: p.Lys502Arg; replaces lysine 502 with arginine.
Molecular consequence: missense variant.
Genome position (GRCh38, 1-based): chr11:64,804,662, T>C on the plus strand (A>G on the coding strand, the complement: MEN1 is on the minus strand). VCF-style: chr11-64804662-T-C. GRCh37 (hg19) VCF-style: chr11-64572134-T-C.
Other names: c.1520A>G, p.Lys507Arg (NM_000244.4, NM_001407145.1, NM_130800.3 and 4 more transcripts); c.1631A>G, p.Lys544Arg (NM_001370251.2, NM_001407142.1, NM_001407143.1 and 1 more transcripts); c.1505A>G, p.Lys502Arg (NM_001370260.2, NM_001370261.2, NM_001407146.1 and 2 more transcripts); c.1400A>G, p.Lys467Arg (NM_001370262.2, NM_001370263.2, NM_001407148.1 and 1 more transcripts); c.1646A>G, p.Lys549Arg (NM_001407150.1); c.1526A>G, p.Lys509Arg (NM_001407151.1); c.1340A>G, p.Lys447Arg (NM_001407152.1); short protein forms K502R, K507R, K509R, K447R, K467R, K549R, K544R.
Identifiers: ClinVar variation 1774069 (VCV001774069.2), dbSNP rs2136087176, ClinGen allele CA381178787.

ClinVar aggregate classification (germline): Uncertain significance (1 of 4 stars; one submission).

Conditions:
Hereditary cancer-predisposing syndrome. Also called: Hereditary Cancer Syndrome; Hereditary neoplastic syndrome; Neoplastic Syndromes, Hereditary; Tumor predisposition. Identifiers: Orphanet 140162, MedGen C0027672, MeSH D009386, MONDO:0015356.

Submission:

Ambry Genetics
Classification: Uncertain significance for Hereditary cancer-predisposing syndrome. Last evaluated: 2022-05-29. Review status: criteria provided, single submitter. Criteria: Ambry Variant Classification Scheme 2023. Collection method: clinical testing. Allele origin: germline.
Comment: The p.K502R variant (also known as c.1505A>G), located in coding exon 9 of the MEN1 gene, results from an A to G substitution at nucleotide position 1505. The lysine at codon 502 is replaced by arginine, an amino acid with highly similar properties. This amino acid position is conserved. In addition, this alteration is predicted to be tolerated by in silico analysis. Since supporting evidence is limited at this time, the clinical significance of this alteration remains unclear.